The following is an entry in ClinVar:

NM_004525.3(LRP2):c.3741C>G (p.Phe1247Leu)

Gene: LRP2 (LDL receptor related protein 2; minus strand). Cytogenetic location: 2q31.1.
Variant type: single nucleotide variant.
Coding change: c.3741C>G on transcript NM_004525.3 (MANE Select); coding-DNA position 3741, C replaced by G.
Protein change: p.Phe1247Leu; replaces phenylalanine 1247 with leucine.
Molecular consequence: missense variant.
Genome position (GRCh38, 1-based): chr2:169,241,292, G>C on the plus strand (C>G on the coding strand, the complement: LRP2 is on the minus strand). VCF-style: chr2-169241292-G-C. GRCh37 (hg19) VCF-style: chr2-170097802-G-C.
Other names: short protein forms F1247L.
Identifiers: ClinVar variation 3678540 (VCV003678540.2).

ClinVar aggregate classification (germline): Uncertain significance (1 of 4 stars; one submission).

gnomAD v4.1: 2 of 1,614,182 alleles (0.00012%); highest among the groups gnomAD compares: African/African-American, 0.0013%; no homozygotes.

Submission:

Labcorp Genetics (formerly Invitae), Labcorp
Classification: Uncertain significance. Last evaluated: 2024-06-04. Review status: criteria provided, single submitter. Criteria: Invitae Variant Classification Sherloc (09022015). Collection method: clinical testing. Allele origin: germline.
Comment: This sequence change replaces phenylalanine, which is neutral and non-polar, with leucine, which is neutral and non-polar, at codon 1247 of the LRP2 protein (p.Phe1247Leu). This variant is present in population databases (no rsID available, gnomAD 0.0009%). This variant has not been reported in the literature in individuals affected with LRP2-related conditions. Advanced modeling of protein sequence and biophysical properties (such as structural, functional, and spatial information, amino acid conservation, physicochemical variation, residue mobility, and thermodynamic stability) performed at Invitae indicates that this missense variant is not expected to disrupt LRP2 protein function with a negative predictive value of 95%. In summary, the available evidence is currently insufficient to determine the role of this variant in disease. Therefore, it has been classified as a Variant of Uncertain Significance.